The following is an entry in ClinVar:

NM_001365999.1(SZT2):c.7628G>A (p.Arg2543Lys)

Gene: SZT2 (SZT2 subunit of KICSTOR complex; plus strand). Cytogenetic location: 1p34.2.
Variant type: single nucleotide variant.
Coding change: c.7628G>A on transcript NM_001365999.1 (MANE Select); coding-DNA position 7628, G replaced by A.
Protein change: p.Arg2543Lys; replaces arginine 2543 with lysine.
Molecular consequence: missense variant.
Genome position (GRCh38, 1-based): chr1:43,441,704, G>A. VCF-style: chr1-43441704-G-A. GRCh37 (hg19) VCF-style: chr1-43907375-G-A.
Other names: c.7457G>A, p.Arg2486Lys (NM_015284.4); short protein forms R2486K, R2543K.
Identifiers: ClinVar variation 2129524 (VCV002129524.4), dbSNP rs2545851016, ClinGen allele CA340035571.

ClinVar aggregate classification (germline): Uncertain significance (1 of 4 stars; one submission).

Submission:

Labcorp Genetics (formerly Invitae), Labcorp
Classification: Uncertain significance. Last evaluated: 2022-11-28. Review status: criteria provided, single submitter. Criteria: Invitae Variant Classification Sherloc (09022015). Collection method: clinical testing. Allele origin: germline.
Comment: In summary, the available evidence is currently insufficient to determine the role of this variant in disease. Therefore, it has been classified as a Variant of Uncertain Significance. This sequence change replaces arginine, which is basic and polar, with lysine, which is basic and polar, at codon 2486 of the SZT2 protein (p.Arg2486Lys). This variant is not present in population databases (gnomAD no frequency). This variant has not been reported in the literature in individuals affected with SZT2-related conditions. Advanced modeling of protein sequence and biophysical properties (such as structural, functional, and spatial information, amino acid conservation, physicochemical variation, residue mobility, and thermodynamic stability) performed at Invitae indicates that this missense variant is not expected to disrupt SZT2 protein function.